The following is an entry in ClinVar:

ClinVar aggregate classification (germline): Conflicting classifications of pathogenicity. Review status: criteria provided, conflicting classifications (1 of 4 stars). 2 submissions from 2 submitters: Uncertain significance (1); Likely benign (1). Last evaluated 2023-04-01.

Conditions:
Triglyceride storage disease with ichthyosis (CDS). Also called: Chanarin-Dorfman Syndrome; Dorfman-Chanarin disease; ICHTHYOSIFORM ERYTHRODERMA WITH LEUKOCYTE VACUOLATION; TRIGLYCERIDE STORAGE DISEASE WITH IMPAIRED LONG-CHAIN FATTY ACID OXIDATION. Identifiers: Orphanet 98907, MedGen C0268238, MONDO:0010155, OMIM 275630.

Allele frequency attached by ClinVar (database versions not stated): ExAC 0.00002; TOPMed 0.00002; gnomAD 0.00003.
gnomAD v4.1: 44 of 1,614,120 alleles (0.0027%); highest among the groups gnomAD compares: South Asian, 0.026%; no homozygotes.

Submissions (2):

CeGaT Center for Human Genetics Tuebingen
Classification: Likely benign. Last evaluated: 2023-04-01. Review status: criteria provided, single submitter. Criteria: CeGaT Center For Human Genetics Tuebingen Variant Classification Criteria Version 2. Collection method: clinical testing. Allele origin: germline. Affected: yes. Observed: 1 variant allele.
Comment: ABHD5: BP4, BP7

Illumina Laboratory Services, Illumina
Classification: Uncertain significance for Triglyceride storage disease with ichthyosis. Last evaluated: 2018-01-13. Review status: criteria provided, single submitter. Criteria: ICSL Variant Classification Criteria 13 December 2019. Collection method: clinical testing. Allele origin: germline.

NM_016006.6(ABHD5):c.885C>T (p.Gly295=)

Gene: ABHD5 (abhydrolase domain containing 5, lysophosphatidic acid acyltransferase; plus strand). Cytogenetic location: 3p21.33.
Variant type: single nucleotide variant.
Coding change: c.885C>T on transcript NM_016006.6 (MANE Select); coding-DNA position 885, C replaced by T.
Protein change: p.Gly295=; no amino-acid change (glycine 295 retained).
Molecular consequence: synonymous variant. On other transcripts: non-coding transcript variant (1), intron variant (1).
Genome position (GRCh38, 1-based): chr3:43,717,782, C>T. VCF-style: chr3-43717782-C-T. GRCh37 (hg19) VCF-style: chr3-43759274-C-T.
Other names: c.885C>T, p.Gly295= (NM_001355186.2); c.762C>T, p.Gly254= (NM_001365649.1); c.774-661C>T (NM_001365650.1).
Identifiers: ClinVar variation 345223 (VCV000345223.29), dbSNP rs746970260, ClinGen allele CA2341490.
Genomic context (GRCh38, chr3:43,717,782, plus strand): 5'-GCCAATGCTCCAGCGAATTGGTAAAATGCACCCTGACATTCCAGTTTCAGTGATCTTTGG[C>T]GCCCGATCCTGCATAGATGGCAATTCTGGCACCAGCATCCAGTCCTTACGACCACATTCA-3'
Protein context (NP_057090.2, residues 285-305): HPDIPVSVIF[Gly295=]ARSCIDGNSG